The following is an entry in ClinVar:

ClinVar aggregate classification (germline): Likely pathogenic (1 of 4 stars; one submission).

Submission:

GeneDx
Classification: Likely pathogenic. Last evaluated: 2018-10-10. Review status: criteria provided, single submitter. Criteria: GeneDx Variant Classification (06012015). Collection method: clinical testing. Allele origin: germline. Affected: yes.
Comment: The c.1472_1473delAA variant in the CLTC gene has not been reported previously as a pathogenic variant nor as a benign variant, to our knowledge. The c.1472_1473delAA variant causes a frameshift starting with codon Lysine 491, changes this amino acid to a Serine residue, and creates a premature Stop codon at position 19 of the new reading frame, denoted p.Lys491SerfsX19. This variant is predicted to cause loss of normal protein function either through protein truncation or nonsense-mediated mRNA decay. The c.1472_1473delAA variant is not observed in large population cohorts (Lek et al., 2016). We interpret c.1472_1473delAA as a likely pathogenic variant.

NM_004859.4(CLTC):c.1460_1461del (p.Lys487fs)

Gene: CLTC (clathrin heavy chain; plus strand). Cytogenetic location: 17q23.1.
Variant type: Deletion.
Coding change: c.1460_1461del on transcript NM_004859.4 (MANE Select); coding-DNA positions 1460 to 1461, 2 bases deleted (AA; older notation c.1460_1461delAA).
Protein change: p.Lys487fs; shifts the reading frame from lysine 487.
Molecular consequence: frameshift variant.
Genome position (GRCh38, 1-based): chr17:59,663,933-59,663,934, AA deleted; deleting any 2 consecutive bases within chr17:59,663,932-59,663,934 gives the same sequence; the c. name uses the placement nearest the transcript's 3' end. VCF-style (leftmost placement, unchanged base first): chr17-59663931-TAA-T. GRCh37 (hg19) VCF-style: chr17-57741292-TAA-T.
Other names: c.1472_1473del, p.Lys491fs (NM_001288653.2); c.1472_1473delAA (NM_001288653.1); short protein forms K487fs, K491fs.
Identifiers: ClinVar variation 817849 (VCV000817849.1), dbSNP rs1598225571, ClinGen allele CA915950649.